The following is an entry in ClinVar:

ClinVar aggregate classification (germline): Uncertain significance (1 of 4 stars; one submission).

Conditions:
Cardiomyopathy (CMYO). Also called: Cardiomyopathies. Identifiers: Orphanet 167848, MedGen C0878544, MONDO:0004994, HP:0001638. Inheritance: Various modes of inheritance.

Submission:

Color Diagnostics, LLC DBA Color Health
Classification: Uncertain significance for Cardiomyopathy. Last evaluated: 2024-03-06. Review status: criteria provided, single submitter. Criteria: ACMG Guidelines, 2015. Collection method: clinical testing. Allele origin: germline.
Comment: This missense variant replaces glutamic acid with aspartic acid at codon 1202 of the MYH7 protein. Computational prediction suggests that this variant may not impact protein structure and function (internally defined REVEL score threshold <= 0.5, PMID: 27666373). Splice site prediction tools suggest that this variant may not impact RNA splicing. To our knowledge, functional studies have not been reported for this variant. This variant has not been reported in individuals affected with cardiovascular disorders in the literature. This variant has been identified in 1/248722 chromosomes in the general population by the Genome Aggregation Database (gnomAD). The available evidence is insufficient to determine the role of this variant in disease conclusively. Therefore, this variant is classified as a Variant of Uncertain Significance.

NM_000257.4(MYH7):c.3606G>C (p.Glu1202Asp)

Gene: MYH7 (myosin heavy chain 7; minus strand). Cytogenetic location: 14q11.2.
Variant type: single nucleotide variant.
Coding change: c.3606G>C on transcript NM_000257.4 (MANE Select); coding-DNA position 3606, G replaced by C.
Protein change: p.Glu1202Asp; replaces glutamic acid 1202 with aspartic acid.
Molecular consequence: missense variant.
Genome position (GRCh38, 1-based): chr14:23,419,965, C>G on the plus strand (G>C on the coding strand, the complement: MYH7 is on the minus strand). VCF-style: chr14-23419965-C-G. GRCh37 (hg19) VCF-style: chr14-23889174-C-G.
Other names: c.3606G>C, p.Glu1202Asp (NM_001407004.1); short protein forms E1202D.
Identifiers: ClinVar variation 3894526 (VCV003894526.1).